The following is an entry in ClinVar:

ClinVar aggregate classification (germline): Likely pathogenic (1 of 4 stars; one submission).

Conditions:
Metachromatic leukodystrophy (MLD). Also called: Cerebral sclerosis diffuse metachromatic form; Arylsulfatase A Deficiency; ARSA DEFICIENCY; CEREBROSIDE SULFATASE DEFICIENCY; METACHROMATIC LEUKOENCEPHALOPATHY; SULFATIDE LIPIDOSIS. Identifiers: Orphanet 512, MedGen C0023522, MONDO:0018868, OMIM 250100.

Submission:

Natera, Inc.
Classification: Likely pathogenic for Metachromatic leukodystrophy. Last evaluated: 2025-12-30. Review status: criteria provided, single submitter. Criteria: Natera Variant Classification Schema (03/2026). Collection method: clinical testing. Allele origin: germline.
Comment: The c.943T>A variant in PSAP is a missense variant predicted to cause substitution of cysteine to serine at amino acid 315. This variant is rare in the general population with a frequency below the threshold expected for the associated phenotype(s). This variant has been observed in one or more individuals affected with the associated recessive disease, as either homozygous or compound heterozygous with a second variant (PMID: 20484222). Functional studies show that this variant may disrupt protein function (PMID: 24925315). Computational prediction algorithms indicate this variant is likely to affect gene or protein function. Given the available evidence, this variant is classified as Likely Pathogenic.

Literature cited by the submitters: PubMed 20484222; PubMed 24925315.

NM_002778.4(PSAP):c.943T>A (p.Cys315Ser)

Gene: PSAP (prosaposin; minus strand). Cytogenetic location: 10q22.1.
Variant type: single nucleotide variant.
Coding change: c.943T>A on transcript NM_002778.4 (MANE Select); coding-DNA position 943, T replaced by A.
Protein change: p.Cys315Ser; replaces cysteine 315 with serine.
Molecular consequence: missense variant.
Genome position (GRCh38, 1-based): chr10:71,820,302, A>T on the plus strand (T>A on the coding strand, the complement: PSAP is on the minus strand). VCF-style: chr10-71820302-A-T. GRCh37 (hg19) VCF-style: chr10-73580059-A-T.
Other names: c.952T>A, p.Cys318Ser (NM_001042465.3); c.949T>A, p.Cys317Ser (NM_001042466.3); short protein forms C315S, C317S, C318S.
Identifiers: ClinVar variation 4815084 (VCV004815084.1).
Genomic context (GRCh38, chr10:71,820,302, plus strand): 5'-CAGTCTTGTTGTTGTCAATCAGCTTGGTCACCTCCTTCACCAGGAATTCACACACCTCAC[A>T]GTAAACATCAGACTTTGCTGGGACCTCGTGCTTCTGTGGAAAGAGTAGAAGGAGAGTACT-3'
Protein context (NP_002769.1, residues 305-325): HEVPAKSDVY[Cys315Ser]EVCEFLVKEV